The following is an entry in ClinVar:

NM_004064.5(CDKN1B):c.511GAA[1] (p.Glu172del)

Gene: CDKN1B (cyclin dependent kinase inhibitor 1B; plus strand). Cytogenetic location: 12p13.1.
Variant type: Microsatellite.
Coding change: c.511GAA[1] on transcript NM_004064.5 (MANE Select); one copy of the 3-base unit GAA starting at c.511; the reference has two copies in a row; one copy, 3 bases deleted; also written c.514_516del.
Protein change: p.Glu172del; deletes glutamic acid 172.
Molecular consequence: inframe deletion.
Genome position (GRCh38, 1-based): chr12:12,718,863-12,718,865, GAA deleted; deleting any 3 consecutive bases within chr12:12,718,859-12,718,865 gives the same sequence; the position shown is the placement nearest the transcript's 3' end. VCF-style (leftmost placement, unchanged base first): chr12-12718858-CAGA-C. GRCh37 (hg19) VCF-style: chr12-12871792-CAGA-C.
Other names: c.514_516del (NM_004064.4); short protein forms E172del.
Identifiers: ClinVar variation 825472 (VCV000825472.12), dbSNP rs1592281730, ClinGen allele CA915947920.

ClinVar aggregate classification (germline): Uncertain significance. Review status: criteria provided, multiple submitters, no conflicts (2 of 4 stars). 3 submissions from 3 submitters: Uncertain significance (3). Last evaluated 2025-09-23.

Conditions:
Multiple endocrine neoplasia type 4. Also called: MULTIPLE ENDOCRINE NEOPLASIA, TYPE IV. Identifiers: Orphanet 276152, MedGen C1970712, MONDO:0012552, OMIM 610755.
Hereditary cancer-predisposing syndrome. Also called: Neoplastic Syndromes, Hereditary; Hereditary Cancer Syndrome; Hereditary neoplastic syndrome; Tumor predisposition. Identifiers: Orphanet 140162, MedGen C0027672, MeSH D009386, MONDO:0015356.

Submissions (3):

Quest Diagnostics Nichols Institute San Juan Capistrano
Classification: Uncertain significance. Last evaluated: 2025-09-23. Review status: criteria provided, single submitter. Criteria: Quest Diagnostics criteria. Collection method: clinical testing. Allele origin: unknown.
Comment: The CDKN1B c.514_516del (p.Glu172del) variant has not been reported in individuals with CDKN1B-related conditions in the published literature. This variant has not been reported in large, multi-ethnic general populations (Genome Aggregation Database). Based on the available information, we are unable to determine the clinical significance of this variant.

Labcorp Genetics (formerly Invitae), Labcorp
Classification: Uncertain significance for Multiple endocrine neoplasia type 4. Last evaluated: 2025-08-26. Review status: criteria provided, single submitter. Criteria: Invitae Variant Classification Sherloc (09022015). Collection method: clinical testing. Allele origin: germline.
Comment: This variant, c.514_516del, results in the deletion of 1 amino acid(s) of the CDKN1B protein (p.Glu172del), but otherwise preserves the integrity of the reading frame. This variant is not present in population databases (gnomAD no frequency). This variant has not been reported in the literature in individuals affected with CDKN1B-related conditions. Experimental studies and prediction algorithms are not available or were not evaluated, and the functional significance of this variant is currently unknown. In summary, the available evidence is currently insufficient to determine the role of this variant in disease. Therefore, it has been classified as a Variant of Uncertain Significance.

Ambry Genetics
Classification: Uncertain significance for Hereditary cancer-predisposing syndrome. Last evaluated: 2025-01-12. Review status: criteria provided, single submitter. Criteria: Ambry Variant Classification Scheme 2023. Collection method: clinical testing. Allele origin: germline.
Comment: The c.514_516delGAA variant (also known as p.E172del) is located in coding exon 2 of the CDKN1B gene. This variant results from an in-frame GAA deletion at nucleotide positions 514 to 516. This results in the in-frame deletion of a glutamic acid at codon 172. This amino acid position is highly conserved in available vertebrate species. Since supporting evidence is limited at this time, the clinical significance of this alteration remains unclear.